The following is an entry in ClinVar:

NM_001684.5(ATP2B4):c.1820G>A (p.Arg607Gln)

Gene: ATP2B4 (ATPase plasma membrane Ca2+ transporting 4; plus strand). Cytogenetic location: 1q32.1.
Variant type: single nucleotide variant.
Coding change: c.1820G>A on transcript NM_001684.5 (MANE Select); coding-DNA position 1820, G replaced by A.
Protein change: p.Arg607Gln; replaces arginine 607 with glutamine.
Molecular consequence: missense variant.
Genome position (GRCh38, 1-based): chr1:203,710,897, G>A. VCF-style: chr1-203710897-G-A. GRCh37 (hg19) VCF-style: chr1-203680025-G-A.
Other names: c.1820G>A, p.Arg607Gln (NM_001001396.3, NM_001365783.2, NM_001365784.2); c.1820G>A (NM_001001396.2); short protein forms R607Q.
Identifiers: ClinVar variation 2459913 (VCV002459913.4), dbSNP rs200815867, ClinGen allele CA1341710.
Genomic context (GRCh38, chr1:203,710,897, plus strand): 5'-GGGAAGGGAGACACCGCGTTCTTACTGTGCGCCTCCCCAGGTGTAATCGAATCCTGGACC[G>A]GAAAGGGGAAGCAGTGCCATTCAAGAATAAAGACAGAGATGATATGGTACGCACTGTCAT-3'
Protein context (NP_001675.3, residues 597-617): ILRKCNRILD[Arg607Gln]KGEAVPFKNK

ClinVar aggregate classification (germline): Uncertain significance. Review status: criteria provided, single submitter (1 of 4 stars). 2 submissions from 2 submitters: Uncertain significance (1). 1 of the submissions does not count toward it. Last evaluated 2023-02-23.

Conditions:
ATP2B4-related disorder. Also called: ATP2B4-related condition.

Allele frequency attached by ClinVar (database versions not stated): ESP Exome Variant Server 0.00008; ExAC 0.00015.
gnomAD v4.1: 201 of 1,613,408 alleles (0.012%); highest among the groups gnomAD compares: Admixed American, 0.01%; 1 homozygote.

Submissions (2):

Ambry Genetics
Classification: Uncertain significance. Last evaluated: 2023-02-23. Review status: criteria provided, single submitter. Criteria: Ambry Variant Classification Scheme 2023. Collection method: clinical testing. Allele origin: germline.

PreventionGenetics, part of Exact Sciences
Classification: Likely benign for ATP2B4-related condition. Last evaluated: 2023-03-19. Review status: no assertion criteria provided. Collection method: clinical testing. Allele origin: germline. Not counted in ClinVar's aggregate classification.
Comment: This variant is classified as likely benign based on ACMG/AMP sequence variant interpretation guidelines (Richards et al. 2015 PMID: 25741868, with internal and published modifications).